The following is an entry in ClinVar:

ClinVar aggregate classification (germline): Pathogenic/Likely pathogenic. Review status: criteria provided, multiple submitters, no conflicts (2 of 4 stars). 18 submissions from 18 submitters: Pathogenic (16); Likely pathogenic (1). 1 of the submissions does not count toward it. Last evaluated 2026-05-30.

Conditions:
GLB1-related disorder. Also called: GLB1-related disorders. Identifiers: MedGen CN377807.
GM1 gangliosidosis. Identifiers: Orphanet 354, MedGen C0085131, MONDO:0018149.
Mucopolysaccharidosis, MPS-IV-B (MPS4B). Also called: Mucopolysaccharidosis type IV B; Mucopolysaccharidosis type IVB (Morquio); MPS IVB; MORQUIO SYNDROME B; Mucopolysaccharidosis Type IVB; Mucopolysaccharidosis Type IVB (Morquio B Disease). Identifiers: Orphanet 309310, Orphanet 582, MedGen C0086652, MONDO:0009660, OMIM 253010.
Infantile GM1 gangliosidosis. Also called: Gangliosidosis, Generalized GM1, Type 1; GM1-gangliosidosis, type I; Gangliosidosis, generalized GM1, infantile form; GLB1 deficiency; GM1 gangliosidosis type 1. Identifiers: Orphanet 354, Orphanet 79255, MedGen C0268271, MONDO:0009260, OMIM 230500.
GM1 gangliosidosis type 2. Also called: Gangliosidosis, Generalized GM1, Type 2; GANGLIOSIDOSIS, GENERALIZED GM1, JUVENILE TYPE; GANGLIOSIDOSIS, GENERALIZED GM1, TYPE II; Juvenile GM>1< gangliosidosis; GM1-GANGLIOSIDOSIS, TYPE II. Identifiers: Orphanet 354, Orphanet 79256, MedGen C0268272, MONDO:0009261, OMIM 230600.
GM1 gangliosidosis type 3. Also called: Gangliosidosis, Generalized GM1, Type 3; GANGLIOSIDOSIS, GENERALIZED GM1, ADULT TYPE; GANGLIOSIDOSIS, GENERALIZED GM1, CHRONIC TYPE; Beta-galactosidase deficiency; Adult GM1 gangliosidosis; Type 3 (adult) GM1 gangliosidosis. Identifiers: Orphanet 79257, MedGen C0268273, MONDO:0009262, OMIM 230650.

Allele frequency attached by ClinVar (database versions not stated): gnomAD exomes 0.00004 and 0.00006; gnomAD 0.00005 and 0.00006; TOPMed 0.00005; ExAC 0.00009; 1000 Genomes Project 0.00020; 1000 Genomes Project 30x 0.00031.

Submissions 1 to 13 of 18:

PreventionGenetics, part of Exact Sciences
Classification: Pathogenic for GLB1-related condition. Last evaluated: 2026-05-30. Review status: criteria provided, single submitter. Criteria: ACMG Guidelines, 2015. Collection method: clinical testing. Allele origin: germline.
Comment: The GLB1 c.602G>A variant is predicted to result in the amino acid substitution p.Arg201His. This variant was reported in multiple individuals with gangliosidosis GM1 (see for example: Kaye et al. 1997. PubMed ID: 9203065; Santamaria et al. 2007. PubMed ID: 17664528; Morrone et al. 2000. PubMed ID: 10737981; Pierson et al. 2012. PubMed ID: 22675082). Functional study shows that this variant transiently expressed in COS cells results in about 16% of normal wild type activity (Santamaria et al. 2007. PubMed ID: 17664528; Kaye et al. 1997. PubMed ID: 9203065). This variant is reported in 0.015% of alleles in individuals of East Asian descent in gnomAD. This variant is interpreted as pathogenic.

Labcorp Genetics (formerly Invitae), Labcorp
Classification: Pathogenic for Mucopolysaccharidosis, MPS-IV-B; GM1 gangliosidosis. Last evaluated: 2026-01-15. Review status: criteria provided, single submitter. Criteria: Invitae Variant Classification Sherloc (09022015). Collection method: clinical testing. Allele origin: germline.
Comment: This sequence change replaces arginine, which is basic and polar, with histidine, which is basic and polar, at codon 201 of the GLB1 protein (p.Arg201His). This variant is present in population databases (rs189115557, gnomAD 0.02%). This missense change has been observed in individuals with GM1 gangliosidosis and Morquio B disease (PMID: 9203065, 11511921, 17309651, 20175788, 23430499). ClinVar contains an entry for this variant (Variation ID: 198077). Invitae Evidence Modeling of protein sequence and biophysical properties (such as structural, functional, and spatial information, amino acid conservation, physicochemical variation, residue mobility, and thermodynamic stability) indicates that this missense variant is expected to disrupt GLB1 protein function with a positive predictive value of 95%. Experimental studies have shown that this missense change affects GLB1 function (PMID: 9203065, 11504597, 16617000, 17664528). For these reasons, this variant has been classified as Pathogenic.

Natera, Inc.
Classification: Pathogenic for Mucopolysaccharidosis, MPS-IV-B. Last evaluated: 2025-09-15. Review status: criteria provided, single submitter. Criteria: Natera Variant Classification Schema (03/2026). Collection method: clinical testing. Allele origin: germline.
Comment: The c.602G>A variant in GLB1 is a missense variant predicted to cause substitution of arginine to histidine at amino acid 201. This variant is rare in the general population with a frequency below the threshold expected for the associated phenotype(s). This variant has been observed in one or more individuals affected with the associated recessive disease, as either homozygous or compound heterozygous with a second variant (PMID: 33737400, 16941474, 32779865). Computational prediction algorithms indicate this variant is likely to affect gene or protein function. Given the available evidence, this variant is classified as Pathogenic.

Women's Health and Genetics/Laboratory Corporation of America, LabCorp
Classification: Pathogenic for Infantile GM1 gangliosidosis. Last evaluated: 2025-03-26. Review status: criteria provided, single submitter. Criteria: LabCorp Variant Classification Summary - May 2015. Collection method: clinical testing. Allele origin: germline.
Comment: Variant summary: GLB1 c.602G>A (p.Arg201His) results in a non-conservative amino acid change located in the Glycosyl hydrolases family 35 domain (IPR031330) of the encoded protein sequence. Four of five in-silico tools predict a damaging effect of the variant on protein function. The variant allele was found at a frequency of 6.4e-05 in 249022 control chromosomes. This frequency is not significantly higher than estimated for a pathogenic variant in GLB1 causing Infantile GM1 gangliosidosis (6.4e-05 vs 0.0025), allowing no conclusion about variant significance. c.602G>A has been reported in the literature in individuals affected with Infantile GM1 gangliosidosis (example, Iwasaki_2006, Santamaria_2006). These data indicate that the variant is likely to be associated with disease. At least one publication reports experimental evidence evaluating an impact on protein function (Iwasaki_2006, Santamaria_2006). The most pronounced variant effect results in 2.4% of normal activity in fibroblasts from the patient carrying the homozygous variant (Santamaria_2006) . The following publications have been ascertained in the context of this evaluation (PMID: 16617000, 16941474). ClinVar contains an entry for this variant (Variation ID: 198077). Based on the evidence outlined above, the variant was classified as pathogenic.

Laboratory of Genetics, Children's Clinical University Hospital Latvia
Classification: Likely pathogenic. Last evaluated: 2025-02-16. Review status: criteria provided, single submitter. Criteria: ACMG Guidelines, 2015. Collection method: clinical testing. Allele origin: germline. Affected: yes.

Blueprint Genetics
Classification: Pathogenic for GLB1-related disorders. Last evaluated: 2024-04-09. Review status: criteria provided, single submitter. Criteria: ACMG Guidelines, 2015. Collection method: clinical testing. Allele origin: germline. Affected: yes. Observed: 5 variant alleles.

Genomic Medicine Center of Excellence, King Faisal Specialist Hospital and Research Centre
Classification: Pathogenic for Infantile GM1 gangliosidosis. Last evaluated: 2024-03-29. Review status: criteria provided, single submitter. Criteria: ACMG Guidelines, 2015. Collection method: clinical testing. Allele origin: germline.

Fulgent Genetics
Classification: Pathogenic for Infantile GM1 gangliosidosis; GM1 gangliosidosis type 2; GM1 gangliosidosis type 3; Mucopolysaccharidosis, MPS-IV-B. Last evaluated: 2024-03-06. Review status: criteria provided, single submitter. Criteria: ACMG Guidelines, 2015. Collection method: clinical testing. Allele origin: germline.

CeGaT Center for Human Genetics Tuebingen
Classification: Pathogenic. Last evaluated: 2023-03-01. Review status: criteria provided, single submitter. Criteria: CeGaT Center For Human Genetics Tuebingen Variant Classification Criteria Version 2. Collection method: clinical testing. Allele origin: germline. Affected: yes. Observed: 3 variant alleles.
Comment: GLB1: PM3:Strong, PM1, PM2, PP4, PS3:Supporting

GeneDx
Classification: Pathogenic. Last evaluated: 2022-02-16. Review status: criteria provided, single submitter. Criteria: GeneDx Variant Classification Process June 2021. Collection method: clinical testing. Allele origin: germline. Affected: yes.
Comment: Functional studies found that this variant is associated with significantly reduced enzyme activity (Santamaria et al. 2007; Hofer et al., 2009); In silico analysis, which includes protein predictors and evolutionary conservation, supports a deleterious effect; This variant is associated with the following publications: (PMID: 16617000, 17664528, 9203065, 19472408, 11511921, 25600812, 26108645, 25443580, 28577204, 31980526, 31761138, 33240792, 34258138, 32779865)

Laboratory of Medical Genetics, National & Kapodistrian University of Athens
Classification: Pathogenic for Infantile GM1 gangliosidosis. Last evaluated: 2022-01-12. Review status: criteria provided, single submitter. Criteria: ACMG Guidelines, 2015. Collection method: clinical testing. Allele origin: paternal. Affected: yes.
Comment: PM2, PM3, PM5, PP2, PP3, PP5

Revvity Omics, Revvity
Classification: Pathogenic. Last evaluated: 2020-12-28. Review status: criteria provided, single submitter. Criteria: ACMG Guidelines, 2015. Collection method: clinical testing. Allele origin: germline.

Institute of Human Genetics Munich, TUM University Hospital
Classification: Pathogenic for GM1 gangliosidosis type 2. Last evaluated: 2019-06-11. Review status: criteria provided, single submitter. Criteria: Classification criteria August 2017. Collection method: clinical testing. Allele origin: germline. Inheritance: Autosomal recessive inheritance. Affected: yes. Observed: 1 compound heterozygote.

NM_000404.4(GLB1):c.602G>A (p.Arg201His)

Gene: GLB1 (galactosidase beta 1; minus strand). Cytogenetic location: 3p22.3.
Variant type: single nucleotide variant.
Coding change: c.602G>A on transcript NM_000404.4 (MANE Select); coding-DNA position 602, G replaced by A.
Protein change: p.Arg201His; replaces arginine 201 with histidine.
Molecular consequence: missense variant. On other transcripts: intron variant (1).
Genome position (GRCh38, 1-based): chr3:33,058,220, C>T on the plus strand (G>A on the coding strand, the complement: GLB1 is on the minus strand). VCF-style: chr3-33058220-C-T. GRCh37 (hg19) VCF-style: chr3-33099712-C-T.
Other names: c.746G>A (NM_001317040.1); c.512G>A, p.Arg171His (NM_001079811.3); c.746G>A, p.Arg249His (NM_001317040.2); c.602G>A, p.Arg201His (NM_001393580.1); c.341-4671G>A (NM_001135602.3); short protein forms R201H, R171H, R249H.
Identifiers: ClinVar variation 198077 (VCV000198077.83), dbSNP rs189115557, ClinGen allele CA203223.